The following is an entry in ClinVar:

NM_000136.3(FANCC):c.1181G>A (p.Trp394Ter)

Genes: AOPEP (aminopeptidase O (putative); plus strand), FANCC (FA complementation group C; minus strand). Cytogenetic location: 9q22.32.
Variant type: single nucleotide variant.
Coding change: c.1181G>A on transcript NM_000136.3 (MANE Select); coding-DNA position 1181, G replaced by A.
Protein change: p.Trp394Ter; replaces tryptophan 394 with a stop codon.
Molecular consequence: nonsense.
Genome position (GRCh38, 1-based): chr9:95,111,611, C>T on the plus strand (G>A on the coding strand, the complement: FANCC is on the minus strand). VCF-style: chr9-95111611-C-T. GRCh37 (hg19) VCF-style: chr9-97873893-C-T.
Other names: c.1181G>A, p.Trp394Ter (NM_001243743.2, NM_001243744.2); short protein forms W394*.
Identifiers: ClinVar variation 1075818 (VCV001075818.7), dbSNP rs2134551203, ClinGen allele CA374107532.
Genomic context (GRCh38, chr9:95,111,611, plus strand): 5'-GACATCAGTAATTGCTCTGCCACCATCTCAGCCCATCCTCCGAAGTGAATGAACAGGAAC[C>T]AGCTCTCAAAGGGACCTCCGCAGGACCTGGAACAGAGGCAGAACACATGGCAGTTGACAA-3'

ClinVar aggregate classification (germline): Pathogenic (1 of 4 stars; one submission).

Conditions:
Fanconi anemia (FA). Also called: Fanconi's anemia. Identifiers: Orphanet 84, MedGen C0015625, MeSH D005199, MONDO:0019391.

Submission:

Labcorp Genetics (formerly Invitae), Labcorp
Classification: Pathogenic for Fanconi anemia. Last evaluated: 2020-02-21. Review status: criteria provided, single submitter. Criteria: Invitae Variant Classification Sherloc (09022015). Collection method: clinical testing. Allele origin: germline.
Comment: This sequence change creates a premature translational stop signal (p.Trp394*) in the FANCC gene. It is expected to result in an absent or disrupted protein product. For these reasons, this variant has been classified as Pathogenic. Loss-of-function variants in FANCC are known to be pathogenic (PMID: 17924555). This variant has not been reported in the literature in individuals with FANCC-related conditions. This variant is not present in population databases (ExAC no frequency).

Literature cited by the submitters: PubMed 17924555.